The following is an entry in ClinVar:

ClinVar aggregate classification (germline): Benign/Likely benign. Review status: criteria provided, multiple submitters, no conflicts (2 of 4 stars). 8 submissions from 8 submitters: Benign (4); Likely benign (3). 1 of the submissions does not count toward it. Last evaluated 2026-01-28.

Conditions:
Hereditary spastic paraplegia 35. Also called: SPASTIC PARAPLEGIA 35, AUTOSOMAL RECESSIVE, WITH OR WITHOUT NEURODEGENERATION; LEUKODYSTROPHY, DYSMYELINATING, AND SPASTIC PARAPARESIS WITH OR WITHOUT DYSTONIA; Spastic paraplegia 35, autosomal recessive; Spastic paraplegia 35. Identifiers: Orphanet 171629, MedGen C3496228, MONDO:0012866, OMIM 612319.
Spastic paraplegia. Identifiers: MedGen C0037772, HP:0001258.

Allele frequency attached by ClinVar (database versions not stated): gnomAD exomes 0.00022 and 0.00060; ExAC 0.00110; gnomAD 0.00213 and 0.00220; TOPMed 0.00230; ESP Exome Variant Server 0.00331; 1000 Genomes Project 30x 0.00344; 1000 Genomes Project 0.00379.
gnomAD v4.1: 650 of 1,609,316 alleles (0.04%); highest among the groups gnomAD compares: African/African-American, 0.73%; 2 homozygotes.

Submissions (8):

Labcorp Genetics (formerly Invitae), Labcorp
Classification: Benign for Spastic paraplegia. Last evaluated: 2026-01-28. Review status: criteria provided, single submitter. Criteria: Invitae Variant Classification Sherloc (09022015). Collection method: clinical testing. Allele origin: germline.

Mayo Clinic Laboratories, Mayo Clinic
Classification: Benign. Last evaluated: 2025-05-07. Review status: criteria provided, single submitter. Criteria: ACMG Guidelines, 2015. Collection method: clinical testing. Allele origin: germline. Observed: 1 variant allele.
Comment: BA1, BP4_moderate

Blueprint Genetics
Classification: Likely benign. Last evaluated: 2024-11-27. Review status: criteria provided, single submitter. Criteria: ACMG Guidelines, 2015. Collection method: clinical testing. Allele origin: germline.

Athena Diagnostics
Classification: Benign. Last evaluated: 2019-12-31. Review status: criteria provided, single submitter. Criteria: Athena Diagnostics Criteria. Collection method: clinical testing. Allele origin: unknown.

GeneDx
Classification: Likely benign. Last evaluated: 2019-07-26. Review status: criteria provided, single submitter. Criteria: GeneDx Variant Classification Process June 2021. Collection method: clinical testing. Allele origin: germline. Affected: yes.

Illumina Laboratory Services, Illumina
Classification: Benign for Hereditary spastic paraplegia 35. Last evaluated: 2018-01-12. Review status: criteria provided, single submitter. Criteria: ICSL Variant Classification Criteria 13 December 2019. Collection method: clinical testing. Allele origin: germline.
Comment: This variant was observed in the ICSL laboratory as part of a predisposition screen in an ostensibly healthy population. It had not been previously curated by ICSL or reported in the Human Gene Mutation Database (HGMD: prior to June 1st, 2018), and was therefore a candidate for classification through an automated scoring system. Utilizing variant allele frequency, disease prevalence and penetrance estimates, and inheritance mode, an automated score was calculated to assess if this variant is too frequent to cause the disease. Based on the score and internal cut-off values, a variant classified as benign is not then subjected to further curation. The score for this variant resulted in a classification of benign for this disease.

Breakthrough Genomics
Classification: Likely benign. Review status: criteria provided, single submitter. Criteria: ACMG Guidelines, 2015. Collection method: not provided. Allele origin: germline. Inheritance: Autosomal recessive inheritance. Affected: yes.

Genetic Services Laboratory, University of Chicago
Classification: Likely benign for AllHighlyPenetrant. Review status: no assertion criteria provided. Collection method: clinical testing. Allele origin: germline. Inheritance: Autosomal recessive inheritance. Not counted in ClinVar's aggregate classification.
Comment: Likely benign based on allele frequency in 1000 Genomes Project or ESP global frequency and its presence in a patient with a rare or unrelated disease phenotype. NOT Sanger confirmed.

NM_024306.5(FA2H):c.847G>A (p.Val283Ile)

Gene: FA2H (fatty acid 2-hydroxylase; minus strand). Cytogenetic location: 16q23.1.
Variant type: single nucleotide variant.
Coding change: c.847G>A on transcript NM_024306.5 (MANE Select); coding-DNA position 847, G replaced by A.
Protein change: p.Val283Ile; replaces valine 283 with isoleucine.
Molecular consequence: missense variant.
Genome position (GRCh38, 1-based): chr16:74,716,539, C>T on the plus strand (G>A on the coding strand, the complement: FA2H is on the minus strand). VCF-style: chr16-74716539-C-T. GRCh37 (hg19) VCF-style: chr16-74750437-C-T.
Other names: p.Val283Ile; short protein forms V283I.
Identifiers: ClinVar variation 129030 (VCV000129030.24), dbSNP rs138244546, ClinGen allele CA152811.
Genomic context (GRCh38, chr16:74,716,539, plus strand): 5'-CCGCAAACACAGTGCCCCCTACTGCCTCGGGCAGGATGAGCTGCATGCACAAGTAGAAGA[C>T]GCCGATCACCAGGGAGGCTGGCACAGGGGGGAAGACCAGGCGGGAGCCGTCGAAGGGTGC-3'
Protein context (NP_077282.3, residues 273-293): PPVPASLVIG[Val283Ile]FYLCMQLILP